The following is an entry in ClinVar:

NM_001376.5(DYNC1H1):c.3680G>A (p.Arg1227Gln)

Gene: DYNC1H1 (dynein cytoplasmic 1 heavy chain 1; plus strand). Cytogenetic location: 14q32.31.
Variant type: single nucleotide variant.
Coding change: c.3680G>A on transcript NM_001376.5 (MANE Select); coding-DNA position 3680, G replaced by A.
Protein change: p.Arg1227Gln; replaces arginine 1227 with glutamine.
Molecular consequence: missense variant.
Genome position (GRCh38, 1-based): chr14:101,997,150, G>A. VCF-style: chr14-101997150-G-A. GRCh37 (hg19) VCF-style: chr14-102463487-G-A.
Other names: short protein forms R1227Q.
Identifiers: ClinVar variation 976187 (VCV000976187.7), dbSNP rs2048071941, ClinGen allele CA391036041.

ClinVar aggregate classification (germline): Uncertain significance. Review status: criteria provided, multiple submitters, no conflicts (2 of 4 stars). 4 submissions from 4 submitters: Uncertain significance (4). Last evaluated 2025-02-22.

Conditions:
Inborn genetic diseases. Identifiers: MedGen C0950123, MeSH D030342.
Cortical dysplasia, complex, with other brain malformations 13. Also called: Intellectual disability, autosomal dominant 13. Identifiers: MedGen C3281202, MONDO:0013805, OMIM 614563.
DYNC1H1-related disorder. Also called: DYNC1H1-related condition; DYNC1H1-related disorders. Identifiers: MedGen CN381529.
Charcot-Marie-Tooth disease axonal type 2O. Also called: CHARCOT-MARIE-TOOTH NEUROPATHY, AXONAL, TYPE 2O; CHARCOT-MARIE-TOOTH DISEASE, AXONAL, AUTOSOMAL DOMINANT, TYPE 2O; Charcot-Marie-Tooth Neuropathy Type 2O; Charcot-Marie-Tooth disease, axonal, type 20. Identifiers: Orphanet 284232, MedGen C3280220, MONDO:0013644, OMIM 614228.

Allele frequency attached by ClinVar (database versions not stated): gnomAD exomes below 0.00001; TOPMed below 0.00001.
gnomAD v4.1: 2 of 1,614,142 alleles (0.00012%); highest among the groups gnomAD compares: Non-Finnish European, 0.00017%; no homozygotes.

Submissions (4):

Labcorp Genetics (formerly Invitae), Labcorp
Classification: Uncertain significance for Charcot-Marie-Tooth disease axonal type 2O. Last evaluated: 2025-02-22. Review status: criteria provided, single submitter. Criteria: Invitae Variant Classification Sherloc (09022015). Collection method: clinical testing. Allele origin: germline.
Comment: This sequence change replaces arginine, which is basic and polar, with glutamine, which is neutral and polar, at codon 1227 of the DYNC1H1 protein (p.Arg1227Gln). This variant is not present in population databases (gnomAD no frequency). This variant has not been reported in the literature in individuals affected with DYNC1H1-related conditions. ClinVar contains an entry for this variant (Variation ID: 976187). Invitae Evidence Modeling of protein sequence and biophysical properties (such as structural, functional, and spatial information, amino acid conservation, physicochemical variation, residue mobility, and thermodynamic stability) indicates that this missense variant is expected to disrupt DYNC1H1 protein function with a positive predictive value of 95%. In summary, the available evidence is currently insufficient to determine the role of this variant in disease. Therefore, it has been classified as a Variant of Uncertain Significance.

PreventionGenetics, part of Exact Sciences
Classification: Uncertain significance for DYNC1H1-related condition. Last evaluated: 2022-09-01. Review status: criteria provided, single submitter. Criteria: ACMG Guidelines, 2015. Collection method: clinical testing. Allele origin: germline.
Comment: The DYNC1H1 c.3680G>A variant is predicted to result in the amino acid substitution p.Arg1227Gln. To our knowledge, this variant has not been reported in the literature or in a large population database, indicating this variant is rare. At this time, the clinical significance of this variant is uncertain due to the absence of conclusive functional and genetic evidence.

Ambry Genetics
Classification: Uncertain significance for Inborn genetic diseases. Last evaluated: 2018-03-13. Review status: criteria provided, single submitter. Criteria: Ambry Variant Classification Scheme 2023. Collection method: clinical testing. Allele origin: germline.
Comment: The p.R1227Q variant (also known as c.3680G>A), located in coding exon 16 of the DYNC1H1 gene, results from a G to A substitution at nucleotide position 3680. The arginine at codon 1227 is replaced by glutamine, an amino acid with highly similar properties. This amino acid position is highly conserved in available vertebrate species. In addition, the in silico prediction for this alteration is inconclusive. Since supporting evidence is limited at this time, the clinical significance of this alteration remains unclear.

Institute of Human Genetics, University of Leipzig Medical Center
Classification: Uncertain significance for Cortical dysplasia, complex, with other brain malformations 13. Last evaluated: 2018-03-13. Review status: criteria provided, single submitter. Criteria: ACMG Guidelines, 2015. Collection method: clinical testing. Allele origin: germline. Affected: yes. Observed: 1 variant allele.